The following is an entry in ClinVar:

ClinVar aggregate classification (germline): Uncertain significance (1 of 4 stars; one submission).

Conditions:
DNAJC13-related disorder. Also called: DNAJC13-related condition.

Allele frequency attached by ClinVar (database versions not stated): gnomAD 0.00001; gnomAD exomes 0.00001; TOPMed 0.00001.
gnomAD v4.1: 13 of 1,609,160 alleles (0.00081%); highest among the groups gnomAD compares: African/African-American, 0.0013%; no homozygotes.

Submission:

PreventionGenetics, part of Exact Sciences
Classification: Uncertain significance for DNAJC13-related condition. Last evaluated: 2023-04-29. Review status: criteria provided, single submitter. Criteria: ACMG Guidelines, 2015. Collection method: clinical testing. Allele origin: germline.
Comment: The DNAJC13 c.98A>G variant is predicted to result in the amino acid substitution p.His33Arg. To our knowledge, this variant has not been reported in the literature or in a large population database, indicating this variant is rare. At this time, the clinical significance of this variant is uncertain due to the absence of conclusive functional and genetic evidence.

NM_015268.4(DNAJC13):c.98A>G (p.His33Arg)

Gene: DNAJC13 (DnaJ heat shock protein family (Hsp40) member C13; plus strand). Cytogenetic location: 3q22.1.
Variant type: single nucleotide variant.
Coding change: c.98A>G on transcript NM_015268.4 (MANE Select); coding-DNA position 98, A replaced by G.
Protein change: p.His33Arg; replaces histidine 33 with arginine.
Molecular consequence: missense variant.
Genome position (GRCh38, 1-based): chr3:132,446,504, A>G. VCF-style: chr3-132446504-A-G. GRCh37 (hg19) VCF-style: chr3-132165348-A-G.
Other names: c.98A>G, p.His33Arg (NM_001329126.2); short protein forms H33R.
Identifiers: ClinVar variation 2631851 (VCV002631851.1), dbSNP rs1933248311, ClinGen allele CA354553963.